The following is an entry in ClinVar:

NM_002474.3(MYH11):c.5636T>C (p.Val1879Ala)

Genes: MYH11 (myosin heavy chain 11; minus strand), NDE1 (nudE neurodevelopment protein 1; plus strand). Cytogenetic location: 16p13.11.
Variant type: single nucleotide variant.
Coding change: c.5636T>C on transcript NM_002474.3 (MANE Select); coding-DNA position 5636, T replaced by C.
Protein change: p.Val1879Ala; replaces valine 1879 with alanine.
Molecular consequence: missense variant. On other transcripts: intron variant (2).
Genome position (GRCh38, 1-based): chr16:15,715,059, A>G on the plus strand (T>C on the coding strand, the complement: MYH11 is on the minus strand). VCF-style: chr16-15715059-A-G. GRCh37 (hg19) VCF-style: chr16-15808916-A-G.
Other names: c.5657T>C, p.Val1886Ala (NM_001040113.2, NM_001040114.2); c.5636T>C, p.Val1879Ala (NM_022844.3); c.948-9132A>G (NM_001143979.2, NM_017668.3); short protein forms V1879A, V1886A.
Identifiers: ClinVar variation 2090962 (VCV002090962.4), dbSNP rs772182716, ClinGen allele CA7921177.

ClinVar aggregate classification (germline): Uncertain significance (1 of 4 stars; one submission).

Conditions:
Aortic aneurysm, familial thoracic 4 (AAT4). Also called: AORTIC ANEURYSM/AORTIC DISSECTION AND PATENT DUCTUS ARTERIOSUS. Identifiers: MedGen C1851504, MONDO:0007568, OMIM 132900.

Allele frequency attached by ClinVar (database versions not stated): gnomAD exomes below 0.00001; ExAC 0.00001; gnomAD 0.00001.
gnomAD v4.1: 4 of 1,609,232 alleles (0.00025%); highest among the groups gnomAD compares: African/African-American, 0.0055%; no homozygotes.

Submission:

Labcorp Genetics (formerly Invitae), Labcorp
Classification: Uncertain significance for Aortic aneurysm, familial thoracic 4. Last evaluated: 2022-01-28. Review status: criteria provided, single submitter. Criteria: Invitae Variant Classification Sherloc (09022015). Collection method: clinical testing. Allele origin: germline.
Comment: Algorithms developed to predict the effect of missense changes on protein structure and function (SIFT, PolyPhen-2, Align-GVGD) all suggest that this variant is likely to be tolerated. In summary, the available evidence is currently insufficient to determine the role of this variant in disease. Therefore, it has been classified as a Variant of Uncertain Significance. This sequence change replaces valine, which is neutral and non-polar, with alanine, which is neutral and non-polar, at codon 1886 of the MYH11 protein (p.Val1886Ala). This variant is present in population databases (rs772182716, gnomAD 0.008%). This variant has not been reported in the literature in individuals affected with MYH11-related conditions.